The following is an entry in ClinVar:

ClinVar aggregate classification (germline): Pathogenic (1 of 4 stars; one submission).

Conditions:
Mowat-Wilson syndrome (MOWS). Also called: Classic Mowat-Wilson Syndrome. Identifiers: Orphanet 2152, MedGen C1856113, MONDO:0009341, OMIM 235730.

Submission:

Labcorp Genetics (formerly Invitae), Labcorp
Classification: Pathogenic for Mowat-Wilson syndrome. Last evaluated: 2017-07-13. Review status: criteria provided, single submitter. Criteria: Invitae Variant Classification Sherloc (09022015). Collection method: clinical testing. Allele origin: germline.
Comment: This variant is a gross deletion of the genomic region encompassing exon 2 of the ZEB2 gene, which includes the initiator codon. The 5' end of this event is unknown as it extends beyond the assayed region for this gene and therefore may encompass additional genes. The 3' boundary is likely confined to intron 2 of the ZEB2 gene. This is expected to result in an absent or disrupted protein product. This variant has not been reported in the literature in individuals with ZEB2-related disease. Loss-of-function variants in ZEB2 are known to be pathogenic (PMID: 16053902). For these reasons, this variant has been classified as Pathogenic.

NC_000002.12:g.(?_144517258)_(144517420_?)del

Gene: ZEB2 (zinc finger E-box binding homeobox 2; minus strand). Cytogenetic location: 2q22.3.
Variant type: Deletion.
Identifiers: ClinVar variation 466272 (VCV000466272.1).